The following is an entry in ClinVar:

NM_000548.5(TSC2):c.5260-2A>C

Gene: TSC2 (TSC complex subunit 2; plus strand). Cytogenetic location: 16p13.3.
Variant type: single nucleotide variant.
Coding change: c.5260-2A>C on transcript NM_000548.5 (MANE Select); the canonical splice acceptor site of the intron before coding-DNA position 5260, A replaced by C.
Molecular consequence: splice acceptor variant.
Genome position (GRCh38, 1-based): chr16:2,088,444, A>C. VCF-style: chr16-2088444-A-C. GRCh37 (hg19) VCF-style: chr16-2138445-A-C.
Other names: c.3718-2A>C (NM_001406693.1, NM_001406692.1, NM_001406694.1); c.5152-2A>C (NM_001406667.1); c.5149-2A>C (NM_001406668.1); c.4660-2A>C (NM_001406680.1); c.4591-2A>C (NM_001406683.1, NM_001406682.1); c.4459-2A>C (NM_001406687.1, NM_001406688.1); c.3847-2A>C (NM_001406689.1); c.3787-2A>C (NM_001406690.1); and 28 more.
Identifiers: ClinVar variation 1493658 (VCV001493658.9), dbSNP rs1374323400, ClinGen allele CA394314985.

ClinVar aggregate classification (germline): Conflicting classifications of pathogenicity. Review status: criteria provided, conflicting classifications (1 of 4 stars). 4 submissions from 4 submitters: Likely pathogenic (1); Uncertain significance (3). Last evaluated 2026-06-02.

Conditions:
Tuberous sclerosis 2 (TSC2). Identifiers: Orphanet 805, MedGen C1860707, MONDO:0013199, OMIM 613254.
Hereditary cancer-predisposing syndrome. Also called: Tumor predisposition; Neoplastic Syndromes, Hereditary; Hereditary Cancer Syndrome; Hereditary neoplastic syndrome. Identifiers: Orphanet 140162, MedGen C0027672, MeSH D009386, MONDO:0015356.
Isolated focal cortical dysplasia type II (FCORD2). Also called: CORTICAL DYSPLASIA OF TAYLOR; Focal cortical dysplasia type II. Identifiers: Orphanet 268994, MedGen C1846385, MONDO:0011818, OMIM 607341, HP:0032051.
Lymphangiomyomatosis (LAM). Also called: Lymphangioleiomyomatosis; Lymphangioleiomyomatosis, somatic. Identifiers: Orphanet 538, MedGen C0751674, MONDO:0011705, OMIM 606690.

Allele frequency attached by ClinVar (database versions not stated): TOPMed below 0.00001.

Submissions (4):

Ambry Genetics
Classification: Uncertain significance for Hereditary cancer-predisposing syndrome. Last evaluated: 2026-06-02. Review status: criteria provided, single submitter. Criteria: Ambry Variant Classification Scheme 2023. Collection method: clinical testing. Allele origin: germline.
Comment: The c.5260-2A>C intronic variant results from an A to C substitution two nucleotides upstream from coding exon 41 in the TSC2 gene. This variant occurs at the 3' terminus of the gene, is not expected to trigger nonsense-mediated mRNA decay, and only impacts the last exon of the protein. The exact functional effect of this variant is unknown. This nucleotide position is highly conserved in available vertebrate species. In silico splice site analysis predicts that this alteration will weaken the native splice acceptor site and may result in the creation or strengthening of a novel splice acceptor site; however, direct evidence is insufficient at this time (Ambry internal data). Based on the available evidence, the clinical significance of this variant remains unclear.

Labcorp Genetics (formerly Invitae), Labcorp
Classification: Uncertain significance for Tuberous sclerosis 2. Last evaluated: 2024-11-24. Review status: criteria provided, single submitter. Criteria: Invitae Variant Classification Sherloc (09022015). Collection method: clinical testing. Allele origin: germline.
Comment: This sequence change affects an acceptor splice site in intron 41 of the TSC2 gene. While this variant is not anticipated to result in nonsense mediated decay, it likely alters RNA splicing and results in a disrupted protein product. This variant is not present in population databases (gnomAD no frequency). This variant has not been reported in the literature in individuals affected with TSC2-related conditions. ClinVar contains an entry for this variant (Variation ID: 1493658). Variants that disrupt the consensus splice site are a relatively common cause of aberrant splicing (PMID: 17576681, 9536098). Studies have shown that disruption of this splice site is associated with altered splicing resulting in multiple RNA products (internal data). In summary, the available evidence is currently insufficient to determine the role of this variant in disease. Therefore, it has been classified as a Variant of Uncertain Significance.

Fulgent Genetics
Classification: Likely pathogenic for Lymphangiomyomatosis; Isolated focal cortical dysplasia type II; Tuberous sclerosis 2. Last evaluated: 2024-03-22. Review status: criteria provided, single submitter. Criteria: ACMG Guidelines, 2015. Collection method: clinical testing. Allele origin: germline.

GeneDx
Classification: Uncertain significance. Last evaluated: 2023-05-04. Review status: criteria provided, single submitter. Criteria: GeneDx Variant Classification Process June 2021. Collection method: clinical testing. Allele origin: germline. Affected: yes.
Comment: Canonical splice site variant with an unclear effect on protein function; Not observed at significant frequency in large population cohorts (gnomAD); Has not been previously published as pathogenic or benign to our knowledge

Literature cited by the submitters: PubMed 17576681 (cited by Labcorp Genetics (formerly Invitae), Labcorp); PubMed 9536098 (cited by Labcorp Genetics (formerly Invitae), Labcorp).